The following is an entry in ClinVar:

ClinVar aggregate classification (germline): Uncertain significance (1 of 4 stars; one submission).

Submission:

Labcorp Genetics (formerly Invitae), Labcorp
Classification: Uncertain significance. Last evaluated: 2024-12-09. Review status: criteria provided, single submitter. Criteria: Invitae Variant Classification Sherloc (09022015). Collection method: clinical testing. Allele origin: germline.
Comment: This variant, c.28_30del, results in the deletion of 1 amino acid(s) of the CSF1R protein (p.Leu10del), but otherwise preserves the integrity of the reading frame. This variant is not present in population databases (gnomAD no frequency). This variant has not been reported in the literature in individuals affected with CSF1R-related conditions. Experimental studies and prediction algorithms are not available or were not evaluated, and the functional significance of this variant is currently unknown. In summary, the available evidence is currently insufficient to determine the role of this variant in disease. Therefore, it has been classified as a Variant of Uncertain Significance.

NM_001288705.3(CSF1R):c.25CTG[1] (p.Leu10del)

Genes: CSF1R (colony stimulating factor 1 receptor; minus strand), LOC111188156 (CSF1R promoter/intronic regulatory region; plus strand). Cytogenetic location: 5q32.
Variant type: Microsatellite.
Coding change: c.25CTG[1] on transcript NM_001288705.3 (MANE Select); one copy of the 3-base unit CTG starting at c.25; the reference has two copies in a row; one copy, 3 bases deleted.
Protein change: p.Leu10del; deletes leucine 10.
Molecular consequence: inframe deletion. On other transcripts: non-coding transcript variant (1), intron variant (1).
Genome position (GRCh38, 1-based): chr5:150,086,398-150,086,400, CAG deleted on the plus strand (CTG on the coding strand, the reverse complement: CSF1R is on the minus strand); deleting any 3 consecutive bases within chr5:150,086,398-150,086,403 gives the same sequence; the position shown is the placement nearest the transcript's 3' end. VCF-style (leftmost placement, unchanged base first): chr5-150086397-CCAG-C. GRCh37 (hg19) VCF-style: chr5-149465960-CCAG-C.
Other names: c.25CTG[1], p.Leu10del (NM_001349736.2, NM_001375320.1, NM_005211.4); c.-395-5376_-395-5374del (NM_001375321.1); short protein forms L10del.
Identifiers: ClinVar variation 2098390 (VCV002098390.4), dbSNP rs2113846024, ClinGen allele CA2580614772.